The following is an entry in ClinVar:

NM_004036.5(ADCY3):c.2081T>G (p.Phe694Cys)

Gene: ADCY3 (adenylate cyclase 3; minus strand). Cytogenetic location: 2p23.3.
Variant type: single nucleotide variant.
Coding change: c.2081T>G on transcript NM_004036.5 (MANE Select); coding-DNA position 2081, T replaced by G.
Protein change: p.Phe694Cys; replaces phenylalanine 694 with cysteine.
Molecular consequence: missense variant.
Genome position (GRCh38, 1-based): chr2:24,830,800, A>C on the plus strand (T>G on the coding strand, the complement: ADCY3 is on the minus strand). VCF-style: chr2-24830800-A-C. GRCh37 (hg19) VCF-style: chr2-25053669-A-C.
Other names: c.2081T>G, p.Phe694Cys (NM_001320613.2, NM_001377129.1, NM_001377130.1 and 1 more transcripts); c.2147T>G, p.Phe716Cys (NM_001377128.1); c.1358T>G, p.Phe453Cys (NM_001377131.1); short protein forms F453C, F716C, F694C.
Identifiers: ClinVar variation 4994968 (VCV004994968.1).

ClinVar aggregate classification (germline): Uncertain significance (1 of 4 stars; one submission).

Conditions:
ADCY3-related disorder. Also called: ADCY3-related condition.

Submission:

PreventionGenetics, part of Exact Sciences
Classification: Uncertain significance for ADCY3-related condition. Last evaluated: 2025-10-20. Review status: criteria provided, single submitter. Criteria: ACMG Guidelines, 2015. Collection method: clinical testing. Allele origin: germline.
Comment: The ADCY3 c.2081T>G variant is predicted to result in the amino acid substitution p.Phe694Cys. To our knowledge, this variant has not been reported in the literature or in a large population database (gnomAD), indicating this variant is rare. At this time, the clinical significance of this variant is uncertain due to the absence of conclusive functional and genetic evidence.